The following is an entry in ClinVar:

NM_033343.4(LHX4):c.920C>T (p.Pro307Leu)

Genes: ACBD6 (acyl-CoA binding domain containing 6; minus strand), LHX4 (LIM homeobox 4; plus strand), LHX4-AS1 (LHX4 antisense RNA 1; minus strand). Cytogenetic location: 1q25.2.
Variant type: single nucleotide variant.
Coding change: c.920C>T on transcript NM_033343.4 (MANE Select); coding-DNA position 920, C replaced by T.
Protein change: p.Pro307Leu; replaces proline 307 with leucine.
Molecular consequence: missense variant.
Genome position (GRCh38, 1-based): chr1:180,274,326, C>T. VCF-style: chr1-180274326-C-T. GRCh37 (hg19) VCF-style: chr1-180243461-C-T.
Other names: short protein forms P307L.
Identifiers: ClinVar variation 4881615 (VCV004881615.2).

ClinVar aggregate classification (germline): Uncertain significance (1 of 4 stars; one submission).

Conditions:
Short stature-pituitary and cerebellar defects-small sella turcica syndrome (CPHD4). Also called: Pituitary hormone deficiency, combined with or without cerebellar defects; Short stature, pituitary and cerebellar defects and small sella turcica. Identifiers: Orphanet 85442, MedGen C2678408, MONDO:0009880, OMIM 262700.

Submission:

Dasa
Classification: Uncertain significance for Short stature-pituitary and cerebellar defects-small sella turcica syndrome. Last evaluated: 2025-09-25. Review status: criteria provided, single submitter. Criteria: DASA Assertion Criteria. Collection method: clinical testing. Allele origin: germline.
Comment: NM_033343.4(LHX4):c.920C>T (p.Pro307Leu) is a missense variant that results in the substitution of proline with leucine. This variant is absent from population databases. Computational prediction algorithms are consistent with a deleterious effect. The currently available literature and clinical evidence are not sufficient to establish a definitive association between this variant and the reported condition. Therefore, this variant is classified as a variant of uncertain significance.